The following is an entry in ClinVar:

ClinVar aggregate classification (germline): Uncertain significance (1 of 4 stars; one submission).

Conditions:
Severe combined immunodeficiency due to DNA-PKcs deficiency. Also called: Immunodeficiency 26 with or without neurologic abnormalities; IMMUNODEFICIENCY 26 WITH NEUROLOGIC ABNORMALITIES. Identifiers: Orphanet 317425, MedGen C4014833, MONDO:0014423, OMIM 615966.

Allele frequency attached by ClinVar (database versions not stated): TOPMed below 0.00001; ExAC 0.00001.
gnomAD v4.1: 2 of 1,575,504 alleles (0.00013%); highest among the groups gnomAD compares: South Asian, 0.0011%; no homozygotes.

Submission:

Labcorp Genetics (formerly Invitae), Labcorp
Classification: Uncertain significance for Severe combined immunodeficiency due to DNA-PKcs deficiency. Last evaluated: 2025-02-17. Review status: criteria provided, single submitter. Criteria: Invitae Variant Classification Sherloc (09022015). Collection method: clinical testing. Allele origin: germline.
Comment: This sequence change replaces tyrosine, which is neutral and polar, with cysteine, which is neutral and slightly polar, at codon 1675 of the PRKDC protein (p.Tyr1675Cys). The frequency data for this variant in the population databases is considered unreliable, as metrics indicate poor data quality at this position in the gnomAD database. This variant has not been reported in the literature in individuals affected with PRKDC-related conditions. ClinVar contains an entry for this variant (Variation ID: 2018988). Invitae Evidence Modeling of protein sequence and biophysical properties (such as structural, functional, and spatial information, amino acid conservation, physicochemical variation, residue mobility, and thermodynamic stability) indicates that this missense variant is expected to disrupt PRKDC protein function with a positive predictive value of 80%. In summary, the available evidence is currently insufficient to determine the role of this variant in disease. Therefore, it has been classified as a Variant of Uncertain Significance.

NM_006904.7(PRKDC):c.5024A>G (p.Tyr1675Cys)

Gene: PRKDC (protein kinase, DNA-activated, catalytic subunit; minus strand). Cytogenetic location: 8q11.21.
Variant type: single nucleotide variant.
Coding change: c.5024A>G on transcript NM_006904.7 (MANE Select); coding-DNA position 5024, A replaced by G.
Protein change: p.Tyr1675Cys; replaces tyrosine 1675 with cysteine.
Molecular consequence: missense variant.
Genome position (GRCh38, 1-based): chr8:47,881,459, T>C on the plus strand (A>G on the coding strand, the complement: PRKDC is on the minus strand). VCF-style: chr8-47881459-T-C. GRCh37 (hg19) VCF-style: chr8-48794020-T-C.
Other names: c.5024A>G, p.Tyr1675Cys (NM_001081640.2); short protein forms Y1675C.
Identifiers: ClinVar variation 2018988 (VCV002018988.2), dbSNP rs754727089, ClinGen allele CA4740741.